The following is an entry in ClinVar:

ClinVar aggregate classification (germline): Uncertain significance (1 of 4 stars; one submission).

Submission:

Labcorp Genetics (formerly Invitae), Labcorp
Classification: Uncertain significance. Last evaluated: 2024-10-18. Review status: criteria provided, single submitter. Criteria: Invitae Variant Classification Sherloc (09022015). Collection method: clinical testing. Allele origin: germline.
Comment: This sequence change replaces leucine, which is neutral and non-polar, with serine, which is neutral and polar, at codon 579 of the RINT1 protein (p.Leu579Ser). This variant is not present in population databases (gnomAD no frequency). This variant has not been reported in the literature in individuals affected with RINT1-related conditions. An algorithm developed to predict the effect of missense changes on protein structure and function (PolyPhen-2) suggests that this variant is likely to be disruptive. In summary, the available evidence is currently insufficient to determine the role of this variant in disease. Therefore, it has been classified as a Variant of Uncertain Significance.

NM_021930.6(RINT1):c.1736T>C (p.Leu579Ser)

Gene: RINT1 (RAD50 interactor 1; plus strand). Cytogenetic location: 7q22.3.
Variant type: single nucleotide variant.
Coding change: c.1736T>C on transcript NM_021930.6 (MANE Select); coding-DNA position 1736, T replaced by C.
Protein change: p.Leu579Ser; replaces leucine 579 with serine.
Molecular consequence: missense variant. On other transcripts: non-coding transcript variant (1).
Genome position (GRCh38, 1-based): chr7:105,563,797, T>C. VCF-style: chr7-105563797-T-C. GRCh37 (hg19) VCF-style: chr7-105204244-T-C.
Other names: c.1502T>C, p.Leu501Ser (NM_001346599.2); c.713T>C, p.Leu238Ser (NM_001346600.2, NM_001346603.2); c.812T>C, p.Leu271Ser (NM_001346601.2); short protein forms L238S, L271S, L501S, L579S.
Identifiers: ClinVar variation 3674797 (VCV003674797.2).
Genomic context (GRCh38, chr7:105,563,797, plus strand): 5'-TTCTACAACTTCAACAGGCTGCACTGGAGGTGTTTGCAGAGAATAATACTCTGAGTAAAT[T>C]GCAGCTAGGACAGCTAGCCTCTATGGAGAGCTCTGTCTTTGATGACATGATTAACCTCTT-3'
Protein context (NP_068749.3, residues 569-589): VFAENNTLSK[Leu579Ser]QLGQLASMES